The following is an entry in ClinVar:

NM_000718.4(CACNA1B):c.6237C>T (p.Gly2079=)

Gene: CACNA1B (calcium voltage-gated channel subunit alpha1 B; plus strand). Cytogenetic location: 9q34.3.
Variant type: single nucleotide variant.
Coding change: c.6237C>T on transcript NM_000718.4 (MANE Select); coding-DNA position 6237, C replaced by T.
Protein change: p.Gly2079=; no amino-acid change (glycine 2079 retained).
Molecular consequence: synonymous variant.
Genome position (GRCh38, 1-based): chr9:138,120,371, C>T. VCF-style: chr9-138120371-C-T. GRCh37 (hg19) VCF-style: chr9-141014823-C-T.
Other names: c.6237C>T, p.Gly2079= (NM_001243812.2); c.6237C>T (NM_000718.3).
Identifiers: ClinVar variation 377312 (VCV000377312.49), dbSNP rs199525864, ClinGen allele CA5377647.

ClinVar aggregate classification (germline): Uncertain significance. Review status: criteria provided, multiple submitters, no conflicts (2 of 4 stars). 5 submissions from 5 submitters: Uncertain significance (5). Last evaluated 2024-11-27.

Allele frequency attached by ClinVar (database versions not stated): TOPMed 0.00015; gnomAD 0.00016; ESP Exome Variant Server 0.00025; gnomAD exomes 0.00025 and 0.00028; ExAC 0.00043.
gnomAD v4.1: 371 of 1,548,040 alleles (0.024%); highest among the groups gnomAD compares: Non-Finnish European, 0.027%; no homozygotes.

Submissions (5):

Blueprint Genetics
Classification: Uncertain significance. Last evaluated: 2024-11-27. Review status: criteria provided, single submitter. Criteria: ACMG Guidelines, 2015. Collection method: clinical testing. Allele origin: germline.

Labcorp Genetics (formerly Invitae), Labcorp
Classification: Uncertain significance. Last evaluated: 2024-10-14. Review status: criteria provided, single submitter. Criteria: Invitae Variant Classification Sherloc (09022015). Collection method: clinical testing. Allele origin: germline.
Comment: This sequence change affects codon 2079 of the CACNA1B mRNA. It is a 'silent' change, meaning that it does not change the encoded amino acid sequence of the CACNA1B protein. It affects a nucleotide within the consensus splice site. The frequency data for this variant in the population databases is considered unreliable, as metrics indicate poor data quality at this position in the gnomAD database. This variant has not been reported in the literature in individuals affected with CACNA1B-related conditions. ClinVar contains an entry for this variant (Variation ID: 377312). Algorithms developed to predict the effect of sequence changes on RNA splicing suggest that this variant is not likely to affect RNA splicing. In summary, the available evidence is currently insufficient to determine the role of this variant in disease. Therefore, it has been classified as a Variant of Uncertain Significance.

GeneDx
Classification: Uncertain significance. Last evaluated: 2022-12-01. Review status: criteria provided, single submitter. Criteria: GeneDx Variant Classification Process June 2021. Collection method: clinical testing. Allele origin: germline. Affected: yes.
Comment: Has not been previously published as pathogenic or benign in association with neurodevelopmental disorders to our knowledge; Variants in candidate genes are classified as variants of uncertain significance in accordance with ACMG guidelines (Richards et al., 2015); In silico analysis suggests this variant may impact gene splicing. In the absence of RNA/functional studies, the actual effect of this sequence change is unknown.; This variant is associated with the following publications: (PMID: 28719003, 26740555)

CeGaT Center for Human Genetics Tuebingen
Classification: Uncertain significance. Last evaluated: 2019-01-01. Review status: criteria provided, single submitter. Criteria: CeGaT Center For Human Genetics Tuebingen Variant Classification Criteria Version 2. Collection method: clinical testing. Allele origin: germline. Affected: yes. Observed: 1 variant allele.

Center for Pediatric Genomic Medicine, Children's Mercy Hospital and Clinics
Classification: Uncertain significance. Last evaluated: 2016-09-28. Review status: criteria provided, single submitter. Criteria: ACMG Guidelines, 2015. Collection method: clinical testing. Allele origin: germline.
ClinVar note: Converted during submission from Uncertain Significance to Uncertain significance.